The following is an entry in ClinVar:

ClinVar aggregate classification (germline): Uncertain significance. Review status: criteria provided, multiple submitters, no conflicts (2 of 4 stars). 2 submissions from 2 submitters: Uncertain significance (2). Last evaluated 2026-01-19.

Conditions:
EGFR-related lung cancer (EGFR). Identifiers: MedGen CN130014.
Hereditary cancer-predisposing syndrome. Also called: Hereditary Cancer Syndrome; Tumor predisposition; Hereditary neoplastic syndrome; Neoplastic Syndromes, Hereditary. Identifiers: Orphanet 140162, MedGen C0027672, MeSH D009386, MONDO:0015356.

Allele frequency attached by ClinVar (database versions not stated): ExAC 0.00001; gnomAD 0.00001; TOPMed 0.00001.
gnomAD v4.1: 6 of 1,614,024 alleles (0.00037%); highest among the groups gnomAD compares: Admixed American, 0.01%; no homozygotes.

Submissions (2):

Labcorp Genetics (formerly Invitae), Labcorp
Classification: Uncertain significance for EGFR-related lung cancer. Last evaluated: 2026-01-19. Review status: criteria provided, single submitter. Criteria: Invitae Variant Classification Sherloc (09022015). Collection method: clinical testing. Allele origin: germline.
Comment: This sequence change replaces leucine, which is neutral and non-polar, with proline, which is neutral and non-polar, at codon 1034 of the EGFR protein (p.Leu1034Pro). This variant is present in population databases (rs34352568, gnomAD 0.01%). This variant has not been reported in the literature in individuals affected with EGFR-related conditions. ClinVar contains an entry for this variant (Variation ID: 1055255). An algorithm developed to predict the effect of missense changes on protein structure and function (PolyPhen-2) suggests that this variant is likely to be disruptive. In summary, the available evidence is currently insufficient to determine the role of this variant in disease. Therefore, it has been classified as a Variant of Uncertain Significance.

Ambry Genetics
Classification: Uncertain significance for Hereditary cancer-predisposing syndrome. Last evaluated: 2025-05-19. Review status: criteria provided, single submitter. Criteria: Ambry Variant Classification Scheme 2023. Collection method: clinical testing. Allele origin: germline.
Comment: The p.L1034P variant (also known as c.3101T>C), located in coding exon 25 of the EGFR gene, results from a T to C substitution at nucleotide position 3101. The leucine at codon 1034 is replaced by proline, an amino acid with similar properties. This amino acid position is highly conserved in available vertebrate species. In addition, the in silico prediction for this alteration is inconclusive. Based on the available evidence, the clinical significance of this variant remains unclear.

NM_005228.5(EGFR):c.3101T>C (p.Leu1034Pro)

Gene: EGFR (epidermal growth factor receptor; plus strand). Cytogenetic location: 7p11.2.
Variant type: single nucleotide variant.
Coding change: c.3101T>C on transcript NM_005228.5 (MANE Select); coding-DNA position 3101, T replaced by C.
Protein change: p.Leu1034Pro; replaces leucine 1034 with proline.
Molecular consequence: missense variant.
Genome position (GRCh38, 1-based): chr7:55,201,342, T>C. VCF-style: chr7-55201342-T-C. GRCh37 (hg19) VCF-style: chr7-55269035-T-C.
Other names: c.2966T>C, p.Leu989Pro (NM_001346897.2, NM_001346899.2); c.3101T>C, p.Leu1034Pro (NM_001346898.2); c.2942T>C, p.Leu981Pro (NM_001346900.2); c.2300T>C, p.Leu767Pro (NM_001346941.2); c.3101T>C (NM_005228.3); short protein forms L1034P, L767P, L981P, L989P.
Identifiers: ClinVar variation 1055255 (VCV001055255.9), dbSNP rs34352568, ClinGen allele CA4266259.